The following is an entry in ClinVar:

NM_001083111.2(GNRH1):c.47G>C (p.Trp16Ser)

Gene: GNRH1 (gonadotropin releasing hormone 1; minus strand). Cytogenetic location: 8p21.2.
Variant type: single nucleotide variant.
Coding change: c.47G>C on transcript NM_001083111.2 (MANE Select); coding-DNA position 47, G replaced by C.
Protein change: p.Trp16Ser; replaces tryptophan 16 with serine.
Molecular consequence: missense variant.
Genome position (GRCh38, 1-based): chr8:25,423,284, C>G on the plus strand (G>C on the coding strand, the complement: GNRH1 is on the minus strand). VCF-style: chr8-25423284-C-G. GRCh37 (hg19) VCF-style: chr8-25280800-C-G.
Other names: c.59G>C, p.Trp20Ser (NM_000825.3); short protein forms W16S, W20S.
Identifiers: ClinVar variation 362652 (VCV000362652.13), dbSNP rs6185, ClinGen allele CA4683676.

ClinVar aggregate classification (germline): Benign. Review status: criteria provided, multiple submitters, no conflicts (2 of 4 stars). 4 submissions from 4 submitters: Benign (4). Last evaluated 2026-02-04.

Conditions:
Hypogonadotropic hypogonadism 12 with or without anosmia (HH12). Also called: GNRH1-Related GnRH Deficiency; Gonadotropin deficiency familial idiopathic. Identifiers: Orphanet 432, MedGen C1856897, MONDO:0013914, OMIM 614841.

Allele frequency attached by ClinVar (database versions not stated): TOPMed 0.19840; gnomAD 0.20495 and 0.20281; ExAC 0.23324; ESP Exome Variant Server 0.20144; 1000 Genomes Project 30x 0.21814; 1000 Genomes Project 0.22424.

Submissions (4):

Labcorp Genetics (formerly Invitae), Labcorp
Classification: Benign. Last evaluated: 2026-02-04. Review status: criteria provided, single submitter. Criteria: Invitae Variant Classification Sherloc (09022015). Collection method: clinical testing. Allele origin: germline.

Illumina Laboratory Services, Illumina
Classification: Benign for Hypogonadotropic hypogonadism 12 with or without anosmia. Last evaluated: 2018-01-12. Review status: criteria provided, single submitter. Criteria: ICSL Variant Classification Criteria 13 December 2019. Collection method: clinical testing. Allele origin: germline.
Comment: This variant was observed in the ICSL laboratory as part of a predisposition screen in an ostensibly healthy population. It had not been previously curated by ICSL or reported in the Human Gene Mutation Database (HGMD: prior to June 1st, 2018), and was therefore a candidate for classification through an automated scoring system. Utilizing variant allele frequency, disease prevalence and penetrance estimates, and inheritance mode, an automated score was calculated to assess if this variant is too frequent to cause the disease. Based on the score and internal cut-off values, a variant classified as benign is not then subjected to further curation. The score for this variant resulted in a classification of benign for this disease.

Athena Diagnostics
Classification: Benign. Last evaluated: 2017-10-16. Review status: criteria provided, single submitter. Criteria: Athena Diagnostics Criteria. Collection method: clinical testing. Allele origin: germline.

Breakthrough Genomics
Classification: Benign. Review status: criteria provided, single submitter. Criteria: ACMG Guidelines, 2015. Collection method: not provided. Allele origin: germline. Inheritance: Autosomal recessive inheritance. Affected: yes.